The following is an entry in ClinVar:

NM_016239.4(MYO15A):c.793G>C (p.Gly265Arg)

Gene: MYO15A (myosin XVA; plus strand). Cytogenetic location: 17p11.2.
Variant type: single nucleotide variant.
Coding change: c.793G>C on transcript NM_016239.4 (MANE Select); coding-DNA position 793, G replaced by C.
Protein change: p.Gly265Arg; replaces glycine 265 with arginine.
Molecular consequence: missense variant.
Genome position (GRCh38, 1-based): chr17:18,119,593, G>C. VCF-style: chr17-18119593-G-C. GRCh37 (hg19) VCF-style: chr17-18022907-G-C.
Other names: short protein forms G265R.
Identifiers: ClinVar variation 1901721 (VCV001901721.2), dbSNP rs764355744, ClinGen allele CA8422934.

ClinVar aggregate classification (germline): Uncertain significance (1 of 4 stars; one submission).

Allele frequency attached by ClinVar (database versions not stated): ExAC 0.00001; TOPMed 0.00001; gnomAD 0.00002.
gnomAD v4.1: 49 of 1,604,150 alleles (0.0031%); highest among the groups gnomAD compares: Non-Finnish European, 0.004%; no homozygotes.

Submission:

Labcorp Genetics (formerly Invitae), Labcorp
Classification: Uncertain significance. Last evaluated: 2022-07-15. Review status: criteria provided, single submitter. Criteria: Invitae Variant Classification Sherloc (09022015). Collection method: clinical testing. Allele origin: germline.
Comment: This sequence change replaces glycine, which is neutral and non-polar, with arginine, which is basic and polar, at codon 265 of the MYO15A protein (p.Gly265Arg). This variant is present in population databases (rs764355744, gnomAD 0.003%). This variant has not been reported in the literature in individuals affected with MYO15A-related conditions. Advanced modeling of protein sequence and biophysical properties (such as structural, functional, and spatial information, amino acid conservation, physicochemical variation, residue mobility, and thermodynamic stability) performed at Invitae indicates that this missense variant is not expected to disrupt MYO15A protein function. In summary, the available evidence is currently insufficient to determine the role of this variant in disease. Therefore, it has been classified as a Variant of Uncertain Significance.